The following is an entry in ClinVar:

ClinVar aggregate classification (germline): Pathogenic (1 of 4 stars; one submission).

Conditions:
Pyridoxine-dependent epilepsy (EPEO4). Also called: Pyridoxine-Dependent Seizures; PYRIDOXINE DEPENDENCY WITH SEIZURES; EPILEPSY, EARLY-ONSET, 4, VITAMIN B6-DEPENDENT; Pyridoxine-Dependent Epilepsy - ALDH7A1. Identifiers: Orphanet 3006, MedGen C1849508, MONDO:0009945, OMIM 266100. Disease mechanism: loss of function.

Allele frequency attached by ClinVar (database versions not stated): gnomAD exomes 0.00001; TOPMed below 0.00001.
gnomAD v4.1: 9 of 1,613,914 alleles (0.00056%); highest among the groups gnomAD compares: Non-Finnish European, 0.00076%; no homozygotes.

Submission:

Labcorp Genetics (formerly Invitae), Labcorp
Classification: Pathogenic for Pyridoxine-dependent epilepsy. Last evaluated: 2023-08-27. Review status: criteria provided, single submitter. Criteria: Invitae Variant Classification Sherloc (09022015). Collection method: clinical testing. Allele origin: germline.
Comment: For these reasons, this variant has been classified as Pathogenic. This variant disrupts the p.Gly398 amino acid residue in ALDH7A1. Other variant(s) that disrupt this residue have been determined to be pathogenic (Invitae). This suggests that this residue is clinically significant, and that variants that disrupt this residue are likely to be disease-causing. Advanced modeling of protein sequence and biophysical properties (such as structural, functional, and spatial information, amino acid conservation, physicochemical variation, residue mobility, and thermodynamic stability) performed at Invitae indicates that this missense variant is expected to disrupt ALDH7A1 protein function. This missense change has been observed in individual(s) with pyridoxine-dependent epilepsy (PMID: 22529283). In at least one individual the data is consistent with being in trans (on the opposite chromosome) from a pathogenic variant. This variant is not present in population databases (gnomAD no frequency). This sequence change replaces glycine, which is neutral and non-polar, with arginine, which is basic and polar, at codon 398 of the ALDH7A1 protein (p.Gly398Arg).

Literature cited by the submitters: PubMed 22529283.

NM_001182.5(ALDH7A1):c.1192G>C (p.Gly398Arg)

Gene: ALDH7A1 (aldehyde dehydrogenase 7 family member A1; minus strand). Cytogenetic location: 5q23.2.
Variant type: single nucleotide variant.
Coding change: c.1192G>C on transcript NM_001182.5 (MANE Select); coding-DNA position 1192, G replaced by C.
Protein change: p.Gly398Arg; replaces glycine 398 with arginine.
Molecular consequence: missense variant. On other transcripts: intron variant (1).
Genome position (GRCh38, 1-based): chr5:126,554,295, C>G on the plus strand (G>C on the coding strand, the complement: ALDH7A1 is on the minus strand). VCF-style: chr5-126554295-C-G. GRCh37 (hg19) VCF-style: chr5-125889987-C-G.
Other names: c.1108G>C, p.Gly370Arg (NM_001201377.2); c.1009-2158G>C (NM_001202404.2); short protein forms G370R, G398R.
Identifiers: ClinVar variation 2754111 (VCV002754111.3), dbSNP rs1347421419, ClinGen allele CA360723750.